The following is an entry in ClinVar:

NM_000426.4(LAMA2):c.1207-1G>A

Gene: LAMA2 (laminin subunit alpha 2; plus strand). Cytogenetic location: 6q22.33.
Variant type: single nucleotide variant.
Coding change: c.1207-1G>A on transcript NM_000426.4 (MANE Select); the canonical splice acceptor site of the intron before coding-DNA position 1207, G replaced by A.
Molecular consequence: splice acceptor variant.
Genome position (GRCh38, 1-based): chr6:129,165,575, G>A. VCF-style: chr6-129165575-G-A. GRCh37 (hg19) VCF-style: chr6-129486720-G-A.
Other names: c.1207-1G>A (NM_001079823.2).
Identifiers: ClinVar variation 2500758 (VCV002500758.2), dbSNP rs746785436, ClinGen allele CA146895484.
Genomic context (GRCh38, chr6:129,165,575, plus strand): 5'-AAGTGAAAAATATTGCTGTTTCTATTACACTTCGTTAAATTCATTTTAATATTTTTGTTA[G>A]GTATCTCCAAATTATCCAAGGCCATGCCAGCCATGTCATTGCGATCCAATTGGTTCCTTA-3'

ClinVar aggregate classification (germline): Likely pathogenic (1 of 4 stars; one submission).

Conditions:
Muscular dystrophy, limb-girdle, autosomal recessive 23. Identifiers: Orphanet 565837, MedGen C4748327, MONDO:0029136, OMIM 618138.

gnomAD v4.1: 7 of 1,597,482 alleles (0.00044%); highest among the groups gnomAD compares: Non-Finnish European, 0.0006%; no homozygotes.

Submission:

Victorian Clinical Genetics Services, Murdoch Childrens Research Institute
Classification: Likely pathogenic for Muscular dystrophy, limb-girdle, autosomal recessive 23. Last evaluated: 2022-06-24. Review status: criteria provided, single submitter. Criteria: ACMG Guidelines, 2015. Collection method: clinical testing. Allele origin: germline. Inheritance: Autosomal recessive inheritance. Affected: yes.
Comment: Based on the classification scheme VCGS_Germline_v1.3.4, this variant is classified as Likely pathogenic. Following criteria are met: 0102 - Loss of function is a known mechanism of disease in this gene and is associated with autosomal recessive limb-girdle muscular dystrophy, 23 (MIM#618138). (I) 0106 - This gene is associated with autosomal recessive disease. (I) 0211 - Canonical splice site variant without proven consequence on splicing (no functional evidence available). (SP) 0251 - This variant is heterozygous. (I) 0304 - Variant is present in gnomAD (v2) <0.01 for a recessive condition (1 heterozygote, 0 homozygotes). (SP) 0505 - Abnormal splicing is predicted by in silico tools and affected nucleotide is highly conserved. (SP) 0705 - No comparable canonical splice site variants have previous evidence for pathogenicity. (I) 0809 - Previous evidence of pathogenicity for this variant is inconclusive. This variant has been reported in two siblings with muscular dystrophy and residual merosin on immunohistochemistry, however, a second pathogenic variant was not identified (PMID: 20207543). (I) 1007 - No published functional evidence has been identified for this variant. (I) 1201 - Heterozygous variant detected in trans with a second pathogenic heterozygous variant (NM_000426.3(LAMA2):c.442delC; p.(Arg148Glyfs*24)) in a recessive disease. (I) Legend: (SP) - Supporting pathogenic, (I) - Information, (SB) - Supporting benign

Literature cited by the submitters: PubMed 20207543.